The following is an entry in ClinVar:

NM_013352.4(DSE):c.325T>G (p.Leu109Val)

Gene: DSE (dermatan sulfate epimerase; plus strand). Cytogenetic location: 6q22.1.
Variant type: single nucleotide variant.
Coding change: c.325T>G on transcript NM_013352.4 (MANE Select); coding-DNA position 325, T replaced by G.
Protein change: p.Leu109Val; replaces leucine 109 with valine.
Molecular consequence: missense variant. On other transcripts: 5 prime UTR variant (4), non-coding transcript variant (1).
Genome position (GRCh38, 1-based): chr6:116,399,575, T>G. VCF-style: chr6-116399575-T-G. GRCh37 (hg19) VCF-style: chr6-116720738-T-G.
Other names: c.325T>G, p.Leu109Val (NM_001080976.3, NM_001322937.2, NM_001322938.2 and 3 more transcripts); c.382T>G, p.Leu128Val (NM_001322939.2); c.-233T>G (NM_001322940.2, NM_001322941.2); c.-576T>G (NM_001374520.1); c.-263T>G (NM_001374521.1); short protein forms L109V, L128V.
Identifiers: ClinVar variation 1019817 (VCV001019817.8), dbSNP rs1781471216, ClinGen allele CA365534649.

ClinVar aggregate classification (germline): Uncertain significance (1 of 4 stars; one submission).

Conditions:
Ehlers-Danlos syndrome, musculocontractural type 2 (EDSMC2). Identifiers: Orphanet 2953, MedGen C3809845, MONDO:0014236, OMIM 615539.

Submission:

Labcorp Genetics (formerly Invitae), Labcorp
Classification: Uncertain significance for Ehlers-Danlos syndrome, musculocontractural type 2. Last evaluated: 2022-07-12. Review status: criteria provided, single submitter. Criteria: Invitae Variant Classification Sherloc (09022015). Collection method: clinical testing. Allele origin: germline.
Comment: In summary, the available evidence is currently insufficient to determine the role of this variant in disease. Therefore, it has been classified as a Variant of Uncertain Significance. Algorithms developed to predict the effect of missense changes on protein structure and function are either unavailable or do not agree on the potential impact of this missense change (SIFT: "Not Available"; PolyPhen-2: "Probably Damaging"; Align-GVGD: "Not Available"). ClinVar contains an entry for this variant (Variation ID: 1019817). This variant has not been reported in the literature in individuals affected with DSE-related conditions. This variant is not present in population databases (gnomAD no frequency). This sequence change replaces leucine, which is neutral and non-polar, with valine, which is neutral and non-polar, at codon 109 of the DSE protein (p.Leu109Val).